The following is an entry in ClinVar:

NM_001148.6(ANK2):c.8934T>G (p.Ser2978Arg)

Gene: ANK2 (ankyrin 2; plus strand). Cytogenetic location: 4q26.
Variant type: single nucleotide variant.
Coding change: c.8934T>G on transcript NM_001148.6 (MANE Select); coding-DNA position 8934, T replaced by G.
Protein change: p.Ser2978Arg; replaces serine 2978 with arginine.
Molecular consequence: missense variant. On other transcripts: intron variant (68).
Genome position (GRCh38, 1-based): chr4:113,357,552, T>G. VCF-style: chr4-113357552-T-G. GRCh37 (hg19) VCF-style: chr4-114278708-T-G.
Other names: c.8700T>G, p.Ser2900Arg (NM_001386142.1); c.5334T>G, p.Ser1778Arg (NM_001386166.1); c.9075T>G, p.Ser3025Arg (NM_001386174.1); c.9051T>G, p.Ser3017Arg (NM_001386175.1); c.4412-3271T>G (NM_001386186.2, NM_001386148.2); c.4214-3271T>G (NM_001354269.3); c.4292-3271T>G (NM_001386187.2); c.4253-3271T>G (NM_001386147.1); and 35 more; short protein forms S2978R, S1778R, S2900R, S3017R, S3025R.
Identifiers: ClinVar variation 457063 (VCV000457063.5), dbSNP rs972912523, ClinGen allele CA103817084.

ClinVar aggregate classification (germline): Uncertain significance (1 of 4 stars; one submission).

Conditions:
Long QT syndrome (LQTS). Identifiers: MedGen C0023976, MeSH D008133, MONDO:0002442. Disease mechanism: loss of function. Inheritance: Various modes of inheritance.

Allele frequency attached by ClinVar (database versions not stated): gnomAD exomes below 0.00001 and 0.00001; TOPMed 0.00003.
gnomAD v4.1: 3 of 1,614,114 alleles (0.00019%); highest among the groups gnomAD compares: African/African-American, 0.0027%; no homozygotes.

Submission:

Labcorp Genetics (formerly Invitae), Labcorp
Classification: Uncertain significance for Long QT syndrome. Last evaluated: 2025-01-01. Review status: criteria provided, single submitter. Criteria: Invitae Variant Classification Sherloc (09022015). Collection method: clinical testing. Allele origin: germline.
Comment: This sequence change replaces serine, which is neutral and polar, with arginine, which is basic and polar, at codon 2978 of the ANK2 protein (p.Ser2978Arg). This variant is present in population databases (no rsID available, gnomAD 0.01%). This variant has not been reported in the literature in individuals affected with ANK2-related conditions. ClinVar contains an entry for this variant (Variation ID: 457063). An algorithm developed to predict the effect of missense changes on protein structure and function outputs the following: PolyPhen-2: "Benign". The arginine amino acid residue is found in multiple mammalian species, which suggests that this missense change does not adversely affect protein function. In summary, the available evidence is currently insufficient to determine the role of this variant in disease. Therefore, it has been classified as a Variant of Uncertain Significance.